The following is an entry in ClinVar:

NM_015164.4(PLEKHM2):c.2897A>C (p.Asn966Thr)

Gene: PLEKHM2 (pleckstrin homology and RUN domain containing M2; plus strand). Cytogenetic location: 1p36.21.
Variant type: single nucleotide variant.
Coding change: c.2897A>C on transcript NM_015164.4 (MANE Select); coding-DNA position 2897, A replaced by C.
Protein change: p.Asn966Thr; replaces asparagine 966 with threonine.
Molecular consequence: missense variant.
Genome position (GRCh38, 1-based): chr1:15,732,703, A>C. VCF-style: chr1-15732703-A-C. GRCh37 (hg19) VCF-style: chr1-16059198-A-C.
Other names: short protein forms N966T.
Identifiers: ClinVar variation 1371954 (VCV001371954.8), dbSNP rs149249024, ClinGen allele CA617383.

ClinVar aggregate classification (germline): Uncertain significance (1 of 4 stars; one submission).

Allele frequency attached by ClinVar (database versions not stated): TOPMed 0.00003; gnomAD 0.00006 and 0.00002; gnomAD exomes 0.00019 and below 0.00001; 1000 Genomes Project 30x 0.00031; 1000 Genomes Project 0.00040; ExAC 0.00002.
gnomAD v4.1: 124 of 1,609,188 alleles (0.0077%); highest among the groups gnomAD compares: East Asian, 0.28%; 1 homozygote.

Submission:

Labcorp Genetics (formerly Invitae), Labcorp
Classification: Uncertain significance. Last evaluated: 2025-10-09. Review status: criteria provided, single submitter. Criteria: Invitae Variant Classification Sherloc (09022015). Collection method: clinical testing. Allele origin: germline.
Comment: This sequence change replaces asparagine, which is neutral and polar, with threonine, which is neutral and polar, at codon 966 of the PLEKHM2 protein (p.Asn966Thr). This variant is present in population databases (rs149249024, gnomAD 0.01%). This variant has not been reported in the literature in individuals affected with PLEKHM2-related conditions. ClinVar contains an entry for this variant (Variation ID: 1371954). An algorithm developed to predict the effect of missense changes on protein structure and function (PolyPhen-2) suggests that this variant is likely to be tolerated. In summary, the available evidence is currently insufficient to determine the role of this variant in disease. Therefore, it has been classified as a Variant of Uncertain Significance.